The following is an entry in ClinVar:

ClinVar aggregate classification (germline): Benign. Review status: criteria provided, multiple submitters, no conflicts (2 of 4 stars). 2 submissions from 2 submitters: Benign (2). Last evaluated 2018-06-14.

Allele frequency attached by ClinVar (database versions not stated): 1000 Genomes Project 0.26158; 1000 Genomes Project 30x 0.26780; TOPMed 0.33931; gnomAD 0.34261 and 0.34790.
gnomAD v4.1: 51,932 of 152,038 alleles (34%); highest among the groups gnomAD compares: Admixed American, 41%; 9,532 homozygotes.

Submissions (2):

GeneDx
Classification: Benign. Last evaluated: 2018-06-14. Review status: criteria provided, single submitter. Criteria: GeneDx Variant Classification (06012015). Collection method: clinical testing. Allele origin: germline. Affected: yes.
Comment: This variant is considered likely benign or benign based on one or more of the following criteria: it is a conservative change, it occurs at a poorly conserved position in the protein, it is predicted to be benign by multiple in silico algorithms, and/or has population frequency not consistent with disease.

Breakthrough Genomics
Classification: Benign. Review status: criteria provided, single submitter. Criteria: ACMG Guidelines, 2015. Collection method: not provided. Allele origin: germline. Inheritance: Autosomal recessive inheritance. Affected: yes.

NM_003321.5(TUFM):c.1194+288T>C

Gene: TUFM (Tu translation elongation factor, mitochondrial; minus strand). Cytogenetic location: 16p11.2.
Variant type: single nucleotide variant.
Coding change: c.1194+288T>C on transcript NM_003321.5 (MANE Select); 288 bases into the intron after coding-DNA position 1194, T replaced by C.
Molecular consequence: intron variant.
Genome position (GRCh38, 1-based): chr16:28,843,448, A>G on the plus strand (T>C on the coding strand, the complement: TUFM is on the minus strand). VCF-style: chr16-28843448-A-G. GRCh37 (hg19) VCF-style: chr16-28854769-A-G.
Other names: c.1110+288T>C (NM_001365360.2).
Identifiers: ClinVar variation 667506 (VCV000667506.2), dbSNP rs28403629, ClinGen allele CA14245001.